The following is an entry in ClinVar:

ClinVar aggregate classification (germline): Likely benign (0 of 4 stars; one submission).

Conditions:
ADCY3-related disorder. Also called: ADCY3-related condition.

gnomAD v4.1: 9 of 1,613,776 alleles (0.00056%); highest among the groups gnomAD compares: African/African-American, 0.0013%; no homozygotes.

Submission:

PreventionGenetics, part of Exact Sciences
Classification: Likely benign for ADCY3-related condition. Last evaluated: 2022-06-02. Review status: no assertion criteria provided. Collection method: clinical testing. Allele origin: germline.
Comment: This variant is classified as likely benign based on ACMG/AMP sequence variant interpretation guidelines (Richards et al. 2015 PMID: 25741868, with internal and published modifications).

NM_004036.5(ADCY3):c.1263G>A (p.Leu421=)

Gene: ADCY3 (adenylate cyclase 3; minus strand). Cytogenetic location: 2p23.3.
Variant type: single nucleotide variant.
Coding change: c.1263G>A on transcript NM_004036.5 (MANE Select); coding-DNA position 1263, G replaced by A.
Protein change: p.Leu421=; no amino-acid change (leucine 421 retained).
Molecular consequence: synonymous variant.
Genome position (GRCh38, 1-based): chr2:24,839,965, C>T on the plus strand (G>A on the coding strand, the complement: ADCY3 is on the minus strand). VCF-style: chr2-24839965-C-T. GRCh37 (hg19) VCF-style: chr2-25062834-C-T.
Other names: c.1263G>A, p.Leu421= (NM_001320613.2, NM_001377128.1, NM_001377129.1 and 2 more transcripts); c.540G>A, p.Leu180= (NM_001377131.1).
Identifiers: ClinVar variation 3354502 (VCV003354502.1).